The following is an entry in ClinVar:

NM_152328.5(ADSS1):c.948+1G>A

Gene: ADSS1 (adenylosuccinate synthase 1; plus strand). Cytogenetic location: 14q32.33.
Variant type: single nucleotide variant.
Coding change: c.948+1G>A on transcript NM_152328.5 (MANE Select); the canonical splice donor site of the intron after coding-DNA position 948, G replaced by A.
Molecular consequence: splice donor variant.
Genome position (GRCh38, 1-based): chr14:104,742,003, G>A. VCF-style: chr14-104742003-G-A. GRCh37 (hg19) VCF-style: chr14-105208340-G-A.
Other names: c.1077+1G>A (NM_199165.2); c.333+1G>A (NM_001320424.1).
Identifiers: ClinVar variation 1681984 (VCV001681984.11), dbSNP rs376223981, ClinGen allele CA7373926.

ClinVar aggregate classification (germline): Likely pathogenic (1 of 4 stars; one submission).

Allele frequency attached by ClinVar (database versions not stated): ExAC 0.00004; gnomAD 0.00004; gnomAD exomes 0.00004; ESP Exome Variant Server 0.00008.
gnomAD v4.1: 62 of 1,612,570 alleles (0.0038%); highest among the groups gnomAD compares: Non-Finnish European, 0.0048%; no homozygotes.

Submissions (3):

Labcorp Genetics (formerly Invitae), Labcorp
Classification: Likely pathogenic. Last evaluated: 2023-08-04. Review status: criteria provided, single submitter. Criteria: Invitae Variant Classification Sherloc (09022015). Collection method: clinical testing. Allele origin: germline.
Comment: In summary, the currently available evidence indicates that the variant is pathogenic, but additional data are needed to prove that conclusively. Therefore, this variant has been classified as Likely Pathogenic. Algorithms developed to predict the effect of sequence changes on RNA splicing suggest that this variant may disrupt the consensus splice site. ClinVar contains an entry for this variant (Variation ID: 1681984). This variant has not been reported in the literature in individuals affected with ADSSL1-related conditions. This variant is present in population databases (rs376223981, gnomAD 0.008%). This sequence change affects a donor splice site in intron 9 of the ADSSL1 gene. It is expected to disrupt RNA splicing. Variants that disrupt the donor or acceptor splice site typically lead to a loss of protein function (PMID: 16199547), and loss-of-function variants in ADSSL1 are known to be pathogenic (PMID: 26506222).

Dr. Peter K. Rogan Lab, Western University
No classification provided (evidence only). Condition: Acute myeloid leukemia. Review status: no classification provided. Collection method: in vitro. Allele origin: not applicable. Functional consequence: retained intron. Not counted in ClinVar's aggregate classification.

Dr. Peter K. Rogan Lab, Western University
No classification provided (evidence only). Condition: Ovarian serous cystadenocarcinoma. Review status: no classification provided. Collection method: in vitro. Allele origin: not applicable. Functional consequence: retained intron. Not counted in ClinVar's aggregate classification.

Literature cited by the submitters: PubMed 16199547 (cited by Labcorp Genetics (formerly Invitae), Labcorp); PubMed 26506222 (cited by Labcorp Genetics (formerly Invitae), Labcorp).